The following is an entry in ClinVar:

ClinVar aggregate classification (germline): Benign. Review status: criteria provided, multiple submitters, no conflicts (2 of 4 stars). 4 submissions from 4 submitters: Benign (3). 1 of the submissions does not count toward it. Last evaluated 2021-05-05.

Conditions:
SREBF2-related disorder. Also called: SREBF2-related condiiton.

Allele frequency attached by ClinVar (database versions not stated): 1000 Genomes Project 30x 0.02342; ESP Exome Variant Server 0.02414; TOPMed 0.02488; gnomAD exomes 0.00602; ExAC 0.00718; gnomAD 0.02248 and 0.02388; 1000 Genomes Project 0.02296.
gnomAD v4.1: 7,156 of 1,614,154 alleles (0.44%); highest among the groups gnomAD compares: African/African-American, 7.7%; 240 homozygotes.

Submissions (4):

GeneDx
Classification: Benign. Last evaluated: 2021-05-05. Review status: criteria provided, single submitter. Criteria: GeneDx Variant Classification Process June 2021. Collection method: clinical testing. Allele origin: germline. Affected: yes.
Comment: This variant is associated with the following publications: (PMID: 11950857, 27884173, 20981092)

Labcorp Genetics (formerly Invitae), Labcorp
Classification: Benign. Last evaluated: 2019-12-31. Review status: criteria provided, single submitter. Criteria: Invitae Variant Classification Sherloc (09022015). Collection method: clinical testing. Allele origin: germline.

Breakthrough Genomics
Classification: Benign. Review status: criteria provided, single submitter. Criteria: ACMG Guidelines, 2015. Collection method: not provided. Allele origin: germline. Inheritance: Unknown mechanism. Affected: yes.

PreventionGenetics, part of Exact Sciences
Classification: Benign for SREBF2-related condition. Last evaluated: 2019-05-08. Review status: no assertion criteria provided. Collection method: clinical testing. Allele origin: germline. Not counted in ClinVar's aggregate classification.
Comment: This variant is classified as benign based on ACMG/AMP sequence variant interpretation guidelines (Richards et al. 2015 PMID: 25741868, with internal and published modifications).

NM_004599.4(SREBF2):c.1867G>A (p.Val623Met)

Gene: SREBF2 (sterol regulatory element binding transcription factor 2; plus strand). Cytogenetic location: 22q13.2.
Variant type: single nucleotide variant.
Coding change: c.1867G>A on transcript NM_004599.4 (MANE Select); coding-DNA position 1867, G replaced by A.
Protein change: p.Val623Met; replaces valine 623 with methionine.
Molecular consequence: missense variant. On other transcripts: non-coding transcript variant (1).
Genome position (GRCh38, 1-based): chr22:41,880,821, G>A. VCF-style: chr22-41880821-G-A. GRCh37 (hg19) VCF-style: chr22-42276825-G-A.
Other names: short protein forms V623M.
Identifiers: ClinVar variation 781621 (VCV000781621.9), dbSNP rs2229440, ClinGen allele CA10261776.